The following is an entry in ClinVar:

ClinVar aggregate classification (germline): Uncertain significance (1 of 4 stars; one submission).

Conditions:
Familial thoracic aortic aneurysm and aortic dissection (TAAD). Also called: Thoracic aortic aneurysms and dissections. Identifiers: Orphanet 91387, MedGen C4707243, MONDO:0019625.

Submission:

Ambry Genetics
Classification: Uncertain significance for Familial thoracic aortic aneurysm and aortic dissection. Last evaluated: 2024-08-07. Review status: criteria provided, single submitter. Criteria: Ambry Variant Classification Scheme 2023. Collection method: clinical testing. Allele origin: germline.
Comment: The p.E1933Q variant (also known as c.5797G>C), located in coding exon 40 of the MYH11 gene, results from a G to C substitution at nucleotide position 5797. The glutamic acid at codon 1933 is replaced by glutamine, an amino acid with highly similar properties. This amino acid position is conserved. In addition, this alteration is predicted to be tolerated by in silico analysis. Based on the available evidence, the clinical significance of this variant remains unclear.

NM_002474.3(MYH11):c.5797G>C (p.Glu1933Gln)

Genes: MYH11 (myosin heavy chain 11; minus strand), NDE1 (nudE neurodevelopment protein 1; plus strand). Cytogenetic location: 16p13.11.
Variant type: single nucleotide variant.
Coding change: c.5797G>C on transcript NM_002474.3 (MANE Select); coding-DNA position 5797, G replaced by C.
Protein change: p.Glu1933Gln; replaces glutamic acid 1933 with glutamine.
Molecular consequence: missense variant. On other transcripts: 3 prime UTR variant (2), intron variant (2).
Genome position (GRCh38, 1-based): chr16:15,704,113, C>G on the plus strand (G>C on the coding strand, the complement: MYH11 is on the minus strand). VCF-style: chr16-15704113-C-G. GRCh37 (hg19) VCF-style: chr16-15797970-C-G.
Other names: c.*19G>C (NM_001040113.2, NM_022844.3); c.5818G>C, p.Glu1940Gln (NM_001040114.2); c.947+7253C>G (NM_001143979.2, NM_017668.3); short protein forms E1933Q, E1940Q.
Identifiers: ClinVar variation 3400629 (VCV003400629.1).